The following is an entry in ClinVar:

NM_032242.4(PLXNA1):c.4071G>T (p.Leu1357=)

Gene: PLXNA1 (plexin A1; plus strand). Cytogenetic location: 3q21.3.
Variant type: single nucleotide variant.
Coding change: c.4071G>T on transcript NM_032242.4 (MANE Select); coding-DNA position 4071, G replaced by T.
Protein change: p.Leu1357=; no amino-acid change (leucine 1357 retained).
Molecular consequence: synonymous variant.
Genome position (GRCh38, 1-based): chr3:127,022,117, G>T. VCF-style: chr3-127022117-G-T. GRCh37 (hg19) VCF-style: chr3-126740960-G-T.
Identifiers: ClinVar variation 3356431 (VCV003356431.1).

ClinVar aggregate classification (germline): Likely benign (0 of 4 stars; one submission).

Conditions:
PLXNA1-related disorder. Also called: PLXNA1-related condition.

Submission:

PreventionGenetics, part of Exact Sciences
Classification: Likely benign for PLXNA1-related condition. Last evaluated: 2023-04-17. Review status: no assertion criteria provided. Collection method: clinical testing. Allele origin: germline.
Comment: This variant is classified as likely benign based on ACMG/AMP sequence variant interpretation guidelines (Richards et al. 2015 PMID: 25741868, with internal and published modifications).